The following is an entry in ClinVar:

ClinVar aggregate classification (germline): Uncertain significance (1 of 4 stars; one submission).

Conditions:
Hereditary cancer-predisposing syndrome. Also called: Neoplastic Syndromes, Hereditary; Hereditary neoplastic syndrome; Tumor predisposition; Hereditary Cancer Syndrome. Identifiers: Orphanet 140162, MedGen C0027672, MeSH D009386, MONDO:0015356.

gnomAD v4.1: 1 of 1,613,920 alleles (0.000062%); highest among the groups gnomAD compares: Non-Finnish European, 0.000085%; no homozygotes.

Submission:

Ambry Genetics
Classification: Uncertain significance for Hereditary cancer-predisposing syndrome. Last evaluated: 2026-01-15. Review status: criteria provided, single submitter. Criteria: Ambry Variant Classification Scheme 2023. Collection method: clinical testing. Allele origin: germline.
Comment: The p.A390T variant (also known as c.1168G>A), located in coding exon 10 of the MRE11A gene, results from a G to A substitution at nucleotide position 1168. The alanine at codon 390 is replaced by threonine, an amino acid with similar properties. This amino acid position is conserved. In addition, this alteration is predicted to be deleterious by in silico analysis. Based on the available evidence, the clinical significance of this variant remains unclear.

NM_005591.4(MRE11):c.1168G>A (p.Ala390Thr)

Gene: MRE11 (MRE11 double strand break repair nuclease; minus strand). Cytogenetic location: 11q21.
Variant type: single nucleotide variant.
Coding change: c.1168G>A on transcript NM_005591.4 (MANE Select); coding-DNA position 1168, G replaced by A.
Protein change: p.Ala390Thr; replaces alanine 390 with threonine.
Molecular consequence: missense variant.
Genome position (GRCh38, 1-based): chr11:94,464,170, C>T on the plus strand (G>A on the coding strand, the complement: MRE11 is on the minus strand). VCF-style: chr11-94464170-C-T. GRCh37 (hg19) VCF-style: chr11-94197336-C-T.
Other names: c.1168G>A, p.Ala390Thr (NM_001330347.2, NM_001440470.1, NM_001440474.1 and 15 more transcripts); c.1093G>A, p.Ala365Thr (NM_001440471.1, NM_001440472.1, NM_001440479.1); c.1087G>A, p.Ala363Thr (NM_001440473.1, NM_001440477.1, NM_001440478.1); c.823G>A, p.Ala275Thr (NM_001440482.1, NM_001440483.1, NM_001440484.1); c.700G>A, p.Ala234Thr (NM_001440485.1, NM_001440486.1, NM_001440487.1); short protein forms A363T, A275T, A234T, A365T, A390T.
Identifiers: ClinVar variation 4824442 (VCV004824442.1).